The following is an entry in ClinVar:

ClinVar aggregate classification (germline): Conflicting classifications of pathogenicity. Review status: criteria provided, conflicting classifications (1 of 4 stars). 4 submissions from 4 submitters: Uncertain significance (3); Likely benign (1). Last evaluated 2026-02-04.

Conditions:
Biotin-responsive basal ganglia disease (BTBGD). Also called: Thiamine metabolism dysfunction syndrome type 2; thiamine-responsive encephalopathy; Thiamine metabolism dysfunction syndrome 2 (biotin- or thiamine-responsive encephalopathy type 2); THIAMINE METABOLISM DYSFUNCTION SYNDROME 2 (BIOTIN- AND THIAMINE-RESPONSIVE TYPE); Thiamine Transporter-2 Deficiency. Identifiers: Orphanet 199348, Orphanet 65284, MedGen C1843807, MONDO:0011841, OMIM 607483.

Allele frequency attached by ClinVar (database versions not stated): gnomAD exomes 0.00003 and 0.00019; gnomAD 0.00006; TOPMed 0.00008; 1000 Genomes Project 30x 0.00016; ExAC 0.00016; 1000 Genomes Project 0.00020.
gnomAD v4.1: 61 of 1,614,116 alleles (0.0038%); highest among the groups gnomAD compares: East Asian, 0.12%; no homozygotes.

Submissions (4):

Labcorp Genetics (formerly Invitae), Labcorp
Classification: Likely benign for Biotin-responsive basal ganglia disease. Last evaluated: 2026-02-04. Review status: criteria provided, single submitter. Criteria: Invitae Variant Classification Sherloc (09022015). Collection method: clinical testing. Allele origin: germline.

Department of Pathology and Laboratory Medicine, Sinai Health System
Classification: Uncertain significance for Biotin-responsive basal ganglia disease. Last evaluated: 2022-09-06. Review status: criteria provided, single submitter. Criteria: ACMG Guidelines, 2015. Collection method: research. Allele origin: germline.

CeGaT Center for Human Genetics Tuebingen
Classification: Uncertain significance. Last evaluated: 2021-12-01. Review status: criteria provided, single submitter. Criteria: CeGaT Center For Human Genetics Tuebingen Variant Classification Criteria Version 2. Collection method: clinical testing. Allele origin: germline. Affected: yes. Observed: 1 variant allele.

GeneDx
Classification: Uncertain significance. Last evaluated: 2021-04-06. Review status: criteria provided, single submitter. Criteria: GeneDx Variant Classification Process June 2021. Collection method: clinical testing. Allele origin: germline. Affected: yes.
Comment: In silico analysis, which includes protein predictors and evolutionary conservation, supports a deleterious effect; Has not been previously published as pathogenic or benign to our knowledge

NM_025243.4(SLC19A3):c.335T>C (p.Phe112Ser)

Gene: SLC19A3 (solute carrier family 19 member 3; minus strand). Cytogenetic location: 2q36.3.
Variant type: single nucleotide variant.
Coding change: c.335T>C on transcript NM_025243.4 (MANE Select); coding-DNA position 335, T replaced by C.
Protein change: p.Phe112Ser; replaces phenylalanine 112 with serine.
Molecular consequence: missense variant.
Genome position (GRCh38, 1-based): chr2:227,699,380, A>G on the plus strand (T>C on the coding strand, the complement: SLC19A3 is on the minus strand). VCF-style: chr2-227699380-A-G. GRCh37 (hg19) VCF-style: chr2-228564096-A-G.
Other names: c.335T>C, p.Phe112Ser (NM_001371411.1, NM_001371412.1); c.323T>C, p.Phe108Ser (NM_001371413.1, NM_001371414.1); short protein forms F112S, F108S.
Identifiers: ClinVar variation 760186 (VCV000760186.48), dbSNP rs200971390, ClinGen allele CA2149330.